The following is an entry in ClinVar:

NM_002292.4(LAMB2):c.2711A>G (p.His904Arg)

Gene: LAMB2 (laminin subunit beta 2; minus strand). Cytogenetic location: 3p21.31.
Variant type: single nucleotide variant.
Coding change: c.2711A>G on transcript NM_002292.4 (MANE Select); coding-DNA position 2711, A replaced by G.
Protein change: p.His904Arg; replaces histidine 904 with arginine.
Molecular consequence: missense variant.
Genome position (GRCh38, 1-based): chr3:49,125,262, T>C on the plus strand (A>G on the coding strand, the complement: LAMB2 is on the minus strand). VCF-style: chr3-49125262-T-C. GRCh37 (hg19) VCF-style: chr3-49162695-T-C.
Other names: short protein forms H904R.
Identifiers: ClinVar variation 1372548 (VCV001372548.8), dbSNP rs1238240581, ClinGen allele CA352717931.

ClinVar aggregate classification (germline): Uncertain significance (1 of 4 stars; one submission).

Conditions:
LAMB2-related infantile-onset nephrotic syndrome. Also called: NEPHROTIC SYNDROME, TYPE 5, WITHOUT OCULAR ABNORMALITIES; NEPHROTIC SYNDROME, TYPE 5, WITH OCULAR ABNORMALITIES; Nephrotic Syndrome, type 5. Identifiers: Orphanet 306507, MedGen C3280113, MONDO:0013621, OMIM 614199.
Pierson syndrome. Also called: MICROCORIA-CONGENITAL NEPHROTIC SYNDROME. Identifiers: Orphanet 2670, MedGen C1836876, MONDO:0012184, OMIM 609049.

Allele frequency attached by ClinVar (database versions not stated): gnomAD exomes below 0.00001.

Submission:

Labcorp Genetics (formerly Invitae), Labcorp
Classification: Uncertain significance for LAMB2-related infantile-onset nephrotic syndrome; Pierson syndrome. Last evaluated: 2022-06-20. Review status: criteria provided, single submitter. Criteria: Invitae Variant Classification Sherloc (09022015). Collection method: clinical testing. Allele origin: germline.
Comment: This variant has not been reported in the literature in individuals affected with LAMB2-related conditions. This sequence change replaces histidine, which is basic and polar, with arginine, which is basic and polar, at codon 904 of the LAMB2 protein (p.His904Arg). This variant is present in population databases (no rsID available, gnomAD 0.0009%). Algorithms developed to predict the effect of missense changes on protein structure and function output the following: SIFT: "Tolerated"; PolyPhen-2: "Benign"; Align-GVGD: "Class C0". The arginine amino acid residue is found in multiple mammalian species, which suggests that this missense change does not adversely affect protein function. In summary, the available evidence is currently insufficient to determine the role of this variant in disease. Therefore, it has been classified as a Variant of Uncertain Significance.